The following is an entry in ClinVar:

NM_000181.4(GUSB):c.532C>T (p.Pro178Ser)

Gene: GUSB (glucuronidase beta; minus strand). Cytogenetic location: 7q11.21.
Variant type: single nucleotide variant.
Coding change: c.532C>T on transcript NM_000181.4 (MANE Select); coding-DNA position 532, C replaced by T.
Protein change: p.Pro178Ser; replaces proline 178 with serine.
Molecular consequence: missense variant. On other transcripts: non-coding transcript variant (1), intron variant (3).
Genome position (GRCh38, 1-based): chr7:65,979,776, G>A on the plus strand (C>T on the coding strand, the complement: GUSB is on the minus strand). VCF-style: chr7-65979776-G-A. GRCh37 (hg19) VCF-style: chr7-65444763-G-A.
Other names: c.67+448C>T (NM_001293105.2); c.12-235C>T (NM_001293104.2); c.474+58C>T (NM_001284290.2); short protein forms P178S.
Identifiers: ClinVar variation 945527 (VCV000945527.9), dbSNP rs11559281, ClinGen allele CA367650211.

ClinVar aggregate classification (germline): Uncertain significance (1 of 4 stars; one submission).

Conditions:
Mucopolysaccharidosis type 7 (MPS7). Also called: BETA-GLUCURONIDASE DEFICIENCY; GUSB DEFICIENCY; MPS VII; SLY SYNDROME. Identifiers: Orphanet 584, MedGen C0085132, MONDO:0009662, OMIM 253220.

gnomAD v4.1: 2 of 1,613,820 alleles (0.00012%); highest among the groups gnomAD compares: Non-Finnish European, 0.00017%; no homozygotes.

Submission:

Labcorp Genetics (formerly Invitae), Labcorp
Classification: Uncertain significance for Mucopolysaccharidosis type 7. Last evaluated: 2019-07-22. Review status: criteria provided, single submitter. Criteria: Invitae Variant Classification Sherloc (09022015). Collection method: clinical testing. Allele origin: germline.
Comment: In summary, the available evidence is currently insufficient to determine the role of this variant in disease. Therefore, it has been classified as a Variant of Uncertain Significance. Algorithms developed to predict the effect of missense changes on protein structure and function (SIFT, PolyPhen-2, Align-GVGD) all suggest that this variant is likely to be tolerated, but these predictions have not been confirmed by published functional studies and their clinical significance is uncertain. This variant has not been reported in the literature in individuals with GUSB-related conditions. This variant is not present in population databases (ExAC no frequency). This sequence change replaces proline with serine at codon 178 of the GUSB protein (p.Pro178Ser). The proline residue is moderately conserved and there is a moderate physicochemical difference between proline and serine.